The following is an entry in ClinVar:

NM_018834.6(MATR3):c.1915A>T (p.Thr639Ser)

Genes: MATR3 (matrin 3; plus strand), LOC126807526 (CDK7 strongly-dependent group 2 enhancer GRCh37_chr5:138657767-138658966; plus strand). Cytogenetic location: 5q31.2.
Variant type: single nucleotide variant.
Coding change: c.1915A>T on transcript NM_018834.6 (MANE Select); coding-DNA position 1915, A replaced by T.
Protein change: p.Thr639Ser; replaces threonine 639 with serine.
Molecular consequence: missense variant.
Genome position (GRCh38, 1-based): chr5:139,322,734, A>T. VCF-style: chr5-139322734-A-T. GRCh37 (hg19) VCF-style: chr5-138658423-A-T.
Other names: c.1915A>T, p.Thr639Ser (NM_001194954.2, NM_001194955.2, NM_199189.3); c.1051A>T, p.Thr351Ser (NM_001194956.2); c.901A>T, p.Thr301Ser (NM_001282278.2); short protein forms T301S, T639S, T351S.
Identifiers: ClinVar variation 1463906 (VCV001463906.8), dbSNP rs765603068, ClinGen allele CA361143848.

ClinVar aggregate classification (germline): Uncertain significance (1 of 4 stars; one submission).

Conditions:
Amyotrophic lateral sclerosis type 21. Also called: VOCAL CORD AND PHARYNGEAL DYSFUNCTION WITH DISTAL MYOPATHY; MYOPATHY, DISTAL, 2. Identifiers: Orphanet 600, Orphanet 803, MedGen C3807521, MONDO:0011632, OMIM 606070.

Submission:

Labcorp Genetics (formerly Invitae), Labcorp
Classification: Uncertain significance for Amyotrophic lateral sclerosis type 21. Last evaluated: 2021-06-19. Review status: criteria provided, single submitter. Criteria: Invitae Variant Classification Sherloc (09022015). Collection method: clinical testing. Allele origin: germline.
Comment: In summary, the available evidence is currently insufficient to determine the role of this variant in disease. Therefore, it has been classified as a Variant of Uncertain Significance. Algorithms developed to predict the effect of missense changes on protein structure and function (SIFT, PolyPhen-2, Align-GVGD) all suggest that this variant is likely to be tolerated, but these predictions have not been confirmed by published functional studies and their clinical significance is uncertain. This variant has not been reported in the literature in individuals with MATR3-related conditions. This variant is not present in population databases (ExAC no frequency). This sequence change replaces threonine with serine at codon 639 of the MATR3 protein (p.Thr639Ser). The threonine residue is moderately conserved and there is a small physicochemical difference between threonine and serine.